The following is an entry in ClinVar:

NM_000552.5(VWF):c.4196G>A (p.Arg1399His)

Gene: VWF (von Willebrand factor; minus strand). Cytogenetic location: 12p13.31.
Variant type: single nucleotide variant.
Coding change: c.4196G>A on transcript NM_000552.5 (MANE Select); coding-DNA position 4196, G replaced by A.
Protein change: p.Arg1399His; replaces arginine 1399 with histidine.
Molecular consequence: missense variant.
Genome position (GRCh38, 1-based): chr12:6,019,222, C>T on the plus strand (G>A on the coding strand, the complement: VWF is on the minus strand). VCF-style: chr12-6019222-C-T. GRCh37 (hg19) VCF-style: chr12-6128388-C-T.
Other names: NM_000552.5(VWF):c.4196G>A; c.4196G>A (NM_000552.4); short protein forms R1399H.
Identifiers: ClinVar variation 293 (VCV000000293.72), dbSNP rs1800382, ClinGen allele CA114133.

ClinVar aggregate classification (germline): Uncertain significance. Review status: reviewed by expert panel (3 of 4 stars). 16 submissions from 16 submitters: Uncertain significance (1). 15 of the submissions do not count toward it. Last evaluated 2024-08-13.

Conditions:
von Willebrand disease type 1 (VWD1). Also called: VON WILLEBRAND DISEASE, TYPE I; VWD, TYPE 1. Identifiers: Orphanet 166078, Orphanet 903, MedGen C1264039, MONDO:0008668, OMIM 193400. Inheritance: autosomal recessive or autosomal dominant.
von Willebrand disease type 3 (VWD3). Also called: Type 3 Von Willebrand's disease; Type 3 VWD; Von Willebrand disease, severe form; V WD3; VON WILLEBRAND DISEASE, TYPE III. Identifiers: Orphanet 166096, MedGen C1264041, MONDO:0010191, OMIM 277480.
VWF-related disorder. Also called: VWF-related disorders; VWF-related condition.
Hereditary von Willebrand disease. Identifiers: Orphanet 903, MedGen C5703318, MONDO:0019565. Inheritance: Autosomal recessive or Autosomal dominant.
von Willebrand disease type 2 (VWD2). Also called: VON WILLEBRAND DISEASE, TYPE 2A/IIE; VON WILLEBRAND DISEASE, TYPE 2CB; VON WILLEBRAND DISEASE, TYPE II; VWD, TYPE 2. Identifiers: Orphanet 166081, Orphanet 903, MedGen C1264040, MONDO:0013304, OMIM 613554.
Abnormality of coagulation. Identifiers: MedGen C1846821, HP:0001928.

Allele frequency attached by ClinVar (database versions not stated): 1000 Genomes Project 30x 0.00187; TOPMed 0.00740; gnomAD 0.00889 and 0.00907; 1000 Genomes Project 0.00200; ExAC 0.00869.
gnomAD v4.1: 17,985 of 1,613,890 alleles (1.1%); highest among the groups gnomAD compares: Non-Finnish European, 1.3%; 158 homozygotes.

Submissions 1 to 6 of 16:

ClinGen von Willebrand Disease Variant Curation Expert Panel, ClinGen
Classification: Uncertain significance for Hereditary von Willebrand disease. Last evaluated: 2024-08-13. Review status: reviewed by expert panel. Criteria: ClinGen VWD 2A B M Rules. Collection method: curation. Allele origin: germline. Inheritance: Autosomal dominant inheritance.
Comment: The NM_000552.5:c.4196G>A variant in VWF is a missense variant predicted to cause substitution of arginine by histidine at amino acid 1399. The Arg1399His variant has a relatively high Grpmax filtering allele frequency in gnomAD v4.1 of 0.01289 (based on 15410/1179858 alleles in the European non-Finnish population), which is higher than the ClinGen VWD VCEP threshold (>0.01; BS1). At least 4 patients with this variant displayed excessive mucocutaneous bleeding as well as the laboratory phenotype of an abnormal collagen binding assay, which together are consistent with VWD Type 2M (PP4, PS4_Moderate), however, all patients exhibited a VWF:RCo/VWF:Ag ratio between 0.7 and 1.5 (PMID: 22507569, PMID: 28083987, PMID: 28971901). This variant has also been observed in at least 2 patients with an alternate molecular basis for disease, one of whom exhibited VWD Type 2B phenotypes and harbored the c.3916C>T (p.Arg1306Trp) variant in cis (PMID: 1672694), which is classified as pathogenic for VWD Type 2B by the ClinGen VWD VCEP. The second patient exhibited a VWD Type 2M phenotype and harbored this variant as well as the c.4225G>T (p.Val1409Phe) variant, which is classified as likely pathogenic for VWD Type 2M by the ClinGen VWD VCEP (PMID: 28971901). The computational predictor REVEL gives a score of 0.698, which is above the ClinGen VWD VCEP threshold of >0.644 and predicts a damaging effect on VWF function (PP3). Another missense variant in the same codon, NM_000552.5(VWF):c.4195C>T (p.Arg1399Cys), has been reported in multiple patients with VWD Type 2M (PMID: 17000885, PMID: 26988807, PMID: 28083987). This variant has been classified as likely pathogenic by the ClinGen VWD VCEP (PM5_supporting). Multiple functional studies show a deleterious effect on protein function, including a hydrodynamic mouse model showing >75% loss of both collagen 4 binding and platelet adhesion PMID: 25662333) and a knock-in mouse model showing decreased VWF binding to collagen IV but not collagen III, decreased platelet adhesion, and increased bleeding, indicating a hypomorphic effect (PMID: 30565388). Exogenous expression of the p.Arg1399His mutant in 293 cells identified undetectable binding to type VI (PMID: 22507569) and type IV collagen (PMID: 25662333) (PS3). In summary, this variant meets the criteria to be classified as a Variant of Unknown Significance for von Willebrand disease type 2M based on the ACMG/AMP criteria applied, as specified by the ClinGen von Willebrand disease Variant Curation Expert Panel: PS3, PM5_supporting, PP3, PP4, BP5, BS1. (VCEP Rule specifications for von Willebrand disease type 2A, 2B and 2M v1.0.0; date of approval 08/13/2024)

CeGaT Center for Human Genetics Tuebingen
Classification: Benign. Last evaluated: 2026-09-01. Review status: criteria provided, single submitter. Criteria: CeGaT Center For Human Genetics Tuebingen Variant Classification Criteria Version 2. Collection method: clinical testing. Allele origin: germline. Affected: yes. Observed: 10 variant alleles. Not counted in ClinVar's aggregate classification.
Comment: VWF: PM5, BP4, BS1, BS2

GeneDx
Classification: Uncertain significance. Last evaluated: 2026-08-17. Review status: criteria provided, single submitter. Criteria: GeneDx Variant Classification Process June 2021. Collection method: clinical testing. Allele origin: germline. Not counted in ClinVar's aggregate classification.
Comment: Identified in the heterozygous state in multiple unrelated individuals with features of von Willebrand disease but also observed in healthy control individuals (PMID: 22507569, 1672694, 31064749); Published in vitro functional studies demonstrate a damaging effect with disrupted type VI collagen binding but no significant effect on type I or type III collagen binding (PMID: 22507569); Published in vivo functional studies in mice demonstrate a damaging effect with reduced binding and adhesion of platelets to collagen IV leading to increased bleeding times (PMID: 25662333, 30565388); In silico analysis suggests that this missense variant does not alter protein structure/function; This variant is associated with the following publications: (PMID: 37872709, 1672694, 29924855, 34136746, 30565388, 31935285, 30690834, 28916584, 31064749, 28083987, 28971901, 23406206, 20409624, 34708896, 33556167, 24338593, 36754679, 22507569, 25662333, 37762110, 40577417, 41559284, 41985465, 41738960, 40123275, 41862208, 37845247, 41300788)

PreventionGenetics, part of Exact Sciences
Classification: Uncertain significance for VWF-related condition. Last evaluated: 2025-12-18. Review status: criteria provided, single submitter. Criteria: ACMG Guidelines, 2015. Collection method: clinical testing. Allele origin: germline. Not counted in ClinVar's aggregate classification.
Comment: The VWF c.4196G>A variant is predicted to result in the amino acid substitution p.Arg1399His. This variant was reported in healthy controls and in VWD type 1 and type 2 patients, some of whom had other likely pathogenic VWF gene variants (Borràs et al. 2017. PubMed ID: 28971901; Flood et al. 2015. PubMed ID: 25662333; Perez-Rodriquez et al. 2018. PubMed ID: 29924855). Amino acid residue p.Arg1399 resides in the VWF A1 collagen binding domain. Data in Flood et al. and in another report, Slobodianuk et al. 2018. PubMed ID: 30565388, indicate that the p.Arg1399His substitution decreases type IV and VI collagen binding. A similar variant, c.4195C>T (p.Arg1399Cys) was also reported in a patient with VWF 2m (Gadisseur et al. 2009. PubMed ID: 19506359). However, the p.Arg1399His substitution occurs frequently in several populations, including in the homozygous state, and is reported at frequencies ranging from ~ 0.2 -1.6%. Although we suspect that the c.4196G>A (p.Arg1399His) variant may be benign, at this time, the clinical significance is uncertain due to the absence of conclusive functional and genetic information.

Mayo Clinic Laboratories, Mayo Clinic
Classification: Uncertain significance. Last evaluated: 2025-12-13. Review status: criteria provided, single submitter. Criteria: ACMG Guidelines, 2015. Collection method: clinical testing. Allele origin: germline. Observed: 18 variant alleles. Not counted in ClinVar's aggregate classification.
Comment: BS1_supporting, BP2, BP5, PP3, PM5, PS3

Women's Health and Genetics/Laboratory Corporation of America, LabCorp
Classification: Uncertain significance. Last evaluated: 2025-10-24. Review status: criteria provided, single submitter. Criteria: LabCorp Variant Classification Summary - May 2015. Collection method: clinical testing. Allele origin: germline. Not counted in ClinVar's aggregate classification.
Comment: Variant summary: VWF c.4196G>A (p.Arg1399His) results in a non-conservative amino acid change located in the von Willebrand factor, type A domain (IPR002035) of the encoded protein sequence. Algorithms developed to predict the effect of missense changes on protein structure and function are either unavailable or do not agree on the potential impact of this missense change. The variant allele was found at a frequency of 0.0086 in 250796 control chromosomes in the gnomAD database, including 21 homozygotes. The observed variant frequency exceeds the estimated maximal expected allele frequency for disease-causing variants in VWF. c.4196G>A has been observed in individuals affected with Von Willebrand Disease (e.g., Flood_2012, Flood_2015, Nava_2019, Borras_2017, Sadler_2021). However, co-occurrences with other pathogenic variants have been reported, providing supporting evidence for either a benign role or a role in recessive disease (e.g., Flood_2012, Borras_2017). These reports do not provide unequivocal conclusions about association of the variant with Von Willebrand Disease. Several publications report experimental evidence evaluating an impact on protein function showing a complete disruption of binding to type VI collagen but no significant effect on type III collagen in vitro (Flood_2015, Flood_2012) as well as decreased collagen binding, decreased platelet adhesion, and increased bleeding times in a mouse model (e.g., Slobodianuk_2019). A different variant affecting the same codon has been classified as pathogenic by our lab (c.4195C>T, p.Arg1399Cys), supporting the critical relevance of codon 1399 to VWF protein function. The following publications have been ascertained in the context of this evaluation (PMID: 28971901, 25662333, 22507569, 30690834, 33556167, 30565388). ClinVar contains an entry for this variant (Variation ID: 293). Based on the evidence outlined above, the variant was classified as uncertain significance.